The following is an entry in ClinVar:

NM_001267550.2(TTN):c.10617C>A (p.Cys3539Ter)

Gene: TTN (titin; minus strand). Cytogenetic location: 2q31.2.
Variant type: single nucleotide variant.
Coding change: c.10617C>A on transcript NM_001267550.2 (MANE Select); coding-DNA position 10617, C replaced by A.
Protein change: p.Cys3539Ter; replaces cysteine 3539 with a stop codon.
Molecular consequence: nonsense. On other transcripts: intron variant (5).
Genome position (GRCh38, 1-based): chr2:178,757,603, G>T on the plus strand (C>A on the coding strand, the complement: TTN is on the minus strand). VCF-style: chr2-178757603-G-T. GRCh37 (hg19) VCF-style: chr2-179622330-G-T.
Other names: c.10479C>A, p.Cys3493Ter (NM_133432.3); c.10165+1381C>A (NM_003319.4); c.10166-806C>A (NM_133437.4); c.10303+1381C>A (NM_133378.4, NM_001256850.1, NM_133379.5); short protein forms C3493*, C3539*.
Identifiers: ClinVar variation 3364812 (VCV003364812.1).
Genomic context (GRCh38, chr2:178,757,603, plus strand): 5'-TTTTGGAGTCACTGTGAGTGTAGCTGCACAAGTGGCTTCCCCAGCACTATTGGCTGCTTT[G>T]CAAGAGTACTGCCCAGCATGCTCTGAGTAAGCATCAACTATAAGCATTAAAGCCATGCCT-3'

ClinVar aggregate classification (germline): Uncertain significance (1 of 4 stars; one submission).

gnomAD v4.1: 1 of 1,609,532 alleles (0.000062%); highest among the groups gnomAD compares: Non-Finnish European, 0.000085%; no homozygotes.

Submission:

GeneDx
Classification: Uncertain significance. Last evaluated: 2023-12-04. Review status: criteria provided, single submitter. Criteria: GeneDx Variant Classification Process June 2021. Collection method: clinical testing. Allele origin: germline. Affected: yes.
Comment: Not observed at significant frequency in large population cohorts (gnomAD); Nonsense variant predicted to result in protein truncation or nonsense mediated decay in a gene or region of a gene for which loss of function is not a well-established mechanism of disease; Has not been previously published as pathogenic or benign to our knowledge